The following is an entry in ClinVar:

NM_001371986.1(UNC80):c.4189G>T (p.Val1397Phe)

Gene: UNC80 (unc-80 subunit of NALCN channel complex; plus strand). Cytogenetic location: 2q34.
Variant type: single nucleotide variant.
Coding change: c.4189G>T on transcript NM_001371986.1 (MANE Select); coding-DNA position 4189, G replaced by T.
Protein change: p.Val1397Phe; replaces valine 1397 with phenylalanine.
Molecular consequence: missense variant.
Genome position (GRCh38, 1-based): chr2:209,888,173, G>T. VCF-style: chr2-209888173-G-T. GRCh37 (hg19) VCF-style: chr2-210752897-G-T.
Other names: c.4195G>T, p.Val1399Phe (NM_032504.2); c.4180G>T, p.Val1394Phe (NM_182587.4); short protein forms V1394F, V1399F, V1397F.
Identifiers: ClinVar variation 1031505 (VCV001031505.2), dbSNP rs1449118973, ClinGen allele CA350749849.

ClinVar aggregate classification (germline): Uncertain significance. Review status: criteria provided, multiple submitters, no conflicts (2 of 4 stars). 2 submissions from 2 submitters: Uncertain significance (2). Last evaluated 2025-04-24.

Conditions:
Hypotonia, infantile, with psychomotor retardation and characteristic facies 2 (IHPRF2). Also called: UNC80 Deficiency. Identifiers: Orphanet 371364, Orphanet 700333, MedGen C4225203, MONDO:0014777, OMIM 616801.
Inborn genetic diseases. Identifiers: MedGen C0950123, MeSH D030342.

Allele frequency attached by ClinVar (database versions not stated): gnomAD exomes 0.00001; gnomAD 0.00002; TOPMed 0.00003.
gnomAD v4.1: 11 of 1,551,536 alleles (0.00071%); highest among the groups gnomAD compares: Admixed American, 0.0078%; no homozygotes.

Submissions (2):

Ambry Genetics
Classification: Uncertain significance for Inborn genetic diseases. Last evaluated: 2025-04-24. Review status: criteria provided, single submitter. Criteria: Ambry Variant Classification Scheme 2023. Collection method: clinical testing. Allele origin: germline.

Baylor Genetics
Classification: Uncertain significance for Hypotonia, infantile, with psychomotor retardation and characteristic facies 2. Last evaluated: 2018-02-13. Review status: criteria provided, single submitter. Criteria: ACMG Guidelines, 2015. Collection method: clinical testing. Allele origin: maternal. Affected: yes.
Comment: This variant was determined to be of uncertain significance according to ACMG Guidelines, 2015 [PMID:25741868].